The following is an entry in ClinVar:

NM_024642.5(GALNT12):c.107T>G (p.Val36Gly)

Genes: GALNT12 (polypeptide N-acetylgalactosaminyltransferase 12; plus strand), LOC130002222 (ATAC-STARR-seq lymphoblastoid silent region 20123; plus strand). Cytogenetic location: 9q22.33.
Variant type: single nucleotide variant.
Coding change: c.107T>G on transcript NM_024642.5 (MANE Select); coding-DNA position 107, T replaced by G.
Protein change: p.Val36Gly; replaces valine 36 with glycine.
Molecular consequence: missense variant.
Genome position (GRCh38, 1-based): chr9:98,807,805, T>G. VCF-style: chr9-98807805-T-G. GRCh37 (hg19) VCF-style: chr9-101570087-T-G.
Other names: short protein forms V36G.
Identifiers: ClinVar variation 1450505 (VCV001450505.12), dbSNP rs1835408211, ClinGen allele CA374222287.
Genomic context (GRCh38, chr9:98,807,805, plus strand): 5'-GCGGCCGGGAGGCGCTGTTGGTGCTCCTGGCGCTACTGGCGTTGGCCGGGCTGGGCTCGG[T>G]GCTGCGGGCGCAGCGTGGGGCCGGGGCCGGGGCTGCCGAGCCGGGACCCCCGCGCACCCC-3'
Protein context (NP_078918.3, residues 26-46): ALLALAGLGS[Val36Gly]LRAQRGAGAG

ClinVar aggregate classification (germline): Uncertain significance. Review status: criteria provided, multiple submitters, no conflicts (2 of 4 stars). 3 submissions from 3 submitters: Uncertain significance (3). Last evaluated 2024-12-13.

Allele frequency attached by ClinVar (database versions not stated): TOPMed below 0.00001.

Submissions (3):

Quest Diagnostics Nichols Institute San Juan Capistrano
Classification: Uncertain significance. Last evaluated: 2024-12-13. Review status: criteria provided, single submitter. Criteria: Quest Diagnostics criteria. Collection method: clinical testing. Allele origin: unknown.
Comment: The GALNT12 c.107T>G (p.Val36Gly) variant has not been reported in individuals with GALNT12-related conditions in the published literature. It also has not been reported in large, multi-ethnic general populations (Genome Aggregation Database). Analysis of this variant using bioinformatics tools for the prediction of the effect of amino acid changes on protein structure and function yielded predictions that this variant is benign. Based on the available information, we are unable to determine the clinical significance of this variant.

Ambry Genetics
Classification: Uncertain significance. Last evaluated: 2024-08-16. Review status: criteria provided, single submitter. Criteria: Ambry Variant Classification Scheme 2023. Collection method: clinical testing. Allele origin: germline.
Comment: The p.V36G variant (also known as c.107T>G), located in coding exon 1 of the GALNT12 gene, results from a T to G substitution at nucleotide position 107. The valine at codon 36 is replaced by glycine, an amino acid with dissimilar properties. This amino acid position is conserved. In addition, this alteration is predicted to be tolerated by in silico analysis. Since supporting evidence is limited at this time, the clinical significance of this alteration remains unclear.

Labcorp Genetics (formerly Invitae), Labcorp
Classification: Uncertain significance. Last evaluated: 2023-04-06. Review status: criteria provided, single submitter. Criteria: Invitae Variant Classification Sherloc (09022015). Collection method: clinical testing. Allele origin: germline.
Comment: This sequence change replaces valine, which is neutral and non-polar, with glycine, which is neutral and non-polar, at codon 36 of the GALNT12 protein (p.Val36Gly). The frequency data for this variant in the population databases is considered unreliable, as metrics indicate insufficient coverage at this position in the gnomAD database. This variant has not been reported in the literature in individuals affected with GALNT12-related conditions. ClinVar contains an entry for this variant (Variation ID: 1450505). An algorithm developed to predict the effect of missense changes on protein structure and function (PolyPhen-2) suggests that this variant is likely to be tolerated. In summary, the available evidence is currently insufficient to determine the role of this variant in disease. Therefore, it has been classified as a Variant of Uncertain Significance.